The following is an entry in ClinVar:

NM_001110556.2(FLNA):c.7249A>C (p.Lys2417Gln)

Gene: FLNA (filamin A; minus strand). Cytogenetic location: Xq28.
Variant type: single nucleotide variant.
Coding change: c.7249A>C on transcript NM_001110556.2 (MANE Select); coding-DNA position 7249, A replaced by C.
Protein change: p.Lys2417Gln; replaces lysine 2417 with glutamine.
Molecular consequence: missense variant.
Genome position (GRCh38, 1-based): chrX:154,350,115, T>G on the plus strand (A>C on the coding strand, the complement: FLNA is on the minus strand). VCF-style: chrX-154350115-T-G. GRCh37 (hg19) VCF-style: chrX-153578483-T-G.
Other names: c.7225A>C, p.Lys2409Gln (NM_001456.4); short protein forms K2409Q, K2417Q.
Identifiers: ClinVar variation 3369536 (VCV003369536.1).
Genomic context (GRCh38, chrX:154,350,115, plus strand): 5'-CTCCGTAAGCAGACACCAAGCCTGGGTCCCCTCCATGCCCAGGCTCCCCAACTCGGATCT[T>G]GAAGGGGCTTCCAGGGATGTGGGTGCCGTTGAACTTGACGTCAATCAGGTAAACGCCATT-3'
Protein context (NP_001104026.1, residues 2407-2427): NGTHIPGSPF[Lys2417Gln]IRVGEPGHGG

ClinVar aggregate classification (germline): Uncertain significance (1 of 4 stars; one submission).

gnomAD v4.1: 1 of 1,211,507 alleles (0.000083%); highest among the groups gnomAD compares: African/African-American, 0.0017%; no homozygotes.

Submission:

GeneDx
Classification: Uncertain significance. Last evaluated: 2024-02-26. Review status: criteria provided, single submitter. Criteria: GeneDx Variant Classification Process June 2021. Collection method: clinical testing. Allele origin: germline. Affected: yes.
Comment: Not observed at significant frequency in large population cohorts (gnomAD); In silico analysis supports that this missense variant does not alter protein structure/function; Has not been previously published as pathogenic or benign to our knowledge